The following is an entry in ClinVar:

NM_022041.4(GAN):c.626del (p.Ile209fs)

Gene: GAN (gigaxonin; plus strand). Cytogenetic location: 16q23.2.
Variant type: Deletion.
Coding change: c.626del on transcript NM_022041.4 (MANE Select); coding-DNA position 626, one base deleted (T; older notation c.626delT).
Protein change: p.Ile209fs; shifts the reading frame from isoleucine 209.
Molecular consequence: frameshift variant. On other transcripts: 5 prime UTR variant (1).
Genome position (GRCh38, 1-based): chr16:81,354,748, T deleted. VCF-style (leftmost placement, unchanged base first): chr16-81354747-AT-A. GRCh37 (hg19) VCF-style: chr16-81388352-AT-A.
Other names: c.-14del (NM_001377486.1); c.626delT, p.Ile209Lysfs (NM_022041.3); short protein forms I209fs.
Identifiers: ClinVar variation 2440411 (VCV002440411.5), dbSNP rs1910429809, ClinGen allele CA2237033471.
Genomic context (GRCh38, chr16:81,354,747, plus strand): 5'-GTTGGCAATGAAAGATATGTCTTTGAAGCAGTAATTCGATGGATAGCACATGATACAGAA[AT>A]AAGAAAGGTACCTGTCATTTATAACATGGTCAAATTTGCCTTTTTATTTCTTTTTAATTC-3'

ClinVar aggregate classification (germline): Pathogenic/Likely pathogenic. Review status: criteria provided, multiple submitters, no conflicts (2 of 4 stars). 2 submissions from 2 submitters: Pathogenic (1); Likely pathogenic (1). Last evaluated 2024-07-30.

Conditions:
Giant axonal neuropathy 1 (GAN1). Also called: GAN-Related Neurodegeneration; GIANT AXONAL NEUROPATHY 1, AUTOSOMAL RECESSIVE. Identifiers: Orphanet 643, MedGen C1850386, MONDO:0009749, OMIM 256850.

Allele frequency attached by ClinVar (database versions not stated): TOPMed 0.00001.

Submissions (2):

Labcorp Genetics (formerly Invitae), Labcorp
Classification: Pathogenic for Giant axonal neuropathy 1. Last evaluated: 2024-07-30. Review status: criteria provided, single submitter. Criteria: Invitae Variant Classification Sherloc (09022015). Collection method: clinical testing. Allele origin: germline.
Comment: This sequence change creates a premature translational stop signal (p.Ile209Lysfs*6) in the GAN gene. It is expected to result in an absent or disrupted protein product. Loss-of-function variants in GAN are known to be pathogenic (PMID: 12655563, 14718689, 23890932). This variant is not present in population databases (gnomAD no frequency). This variant has not been reported in the literature in individuals affected with GAN-related conditions. ClinVar contains an entry for this variant (Variation ID: 2440411). For these reasons, this variant has been classified as Pathogenic.

Revvity Omics, Revvity
Classification: Likely pathogenic for Giant axonal neuropathy 1. Last evaluated: 2021-12-02. Review status: criteria provided, single submitter. Criteria: ACMG Guidelines, 2015. Collection method: clinical testing. Allele origin: germline.

Literature cited by the submitters: PubMed 12655563 (cited by Labcorp Genetics (formerly Invitae), Labcorp); PubMed 14718689 (cited by Labcorp Genetics (formerly Invitae), Labcorp); PubMed 23890932 (cited by Labcorp Genetics (formerly Invitae), Labcorp).